The following is an entry in ClinVar:

ClinVar aggregate classification (germline): Uncertain significance (1 of 4 stars; one submission).

gnomAD v4.1: 6 of 1,611,624 alleles (0.00037%); highest among the groups gnomAD compares: African/African-American, 0.004%; no homozygotes.

Submission:

GeneDx
Classification: Uncertain significance. Last evaluated: 2025-07-18. Review status: criteria provided, single submitter. Criteria: GeneDx Variant Classification Process June 2021. Collection method: clinical testing. Allele origin: germline. Affected: yes.
Comment: Not observed at significant frequency in large population cohorts (gnomAD); In silico analysis supports that this missense variant has a deleterious effect on protein structure/function; Has not been previously published as pathogenic or benign to our knowledge

NM_000540.3(RYR1):c.7880T>C (p.Val2627Ala)

Gene: RYR1 (ryanodine receptor 1; plus strand). Cytogenetic location: 19q13.2.
Variant type: single nucleotide variant.
Coding change: c.7880T>C on transcript NM_000540.3 (MANE Select); coding-DNA position 7880, T replaced by C.
Protein change: p.Val2627Ala; replaces valine 2627 with alanine.
Molecular consequence: missense variant.
Genome position (GRCh38, 1-based): chr19:38,502,924, T>C. VCF-style: chr19-38502924-T-C. GRCh37 (hg19) VCF-style: chr19-38993564-T-C.
Other names: c.7880T>C, p.Val2627Ala (NM_001042723.2); short protein forms V2627A.
Identifiers: ClinVar variation 4686547 (VCV004686547.1).
Genomic context (GRCh38, chr19:38,502,924, plus strand): 5'-GTGCATTGTCCCGCAGGTACATCCGCCCGTCGATGCTGCAGCACCTGTTGCGCCGCCTGG[T>C]GTTCGACGTGCCCATCCTCAACGAGTTCGCCAAGATGCCACTCAAGGTGAGGGCAAGCGC-3'
Protein context (NP_000531.2, residues 2617-2637): SMLQHLLRRL[Val2627Ala]FDVPILNEFA